The following is an entry in ClinVar:

NM_001375405.1(CEP120):c.1990C>A (p.Gln664Lys)

Gene: CEP120 (centrosomal protein 120; minus strand). Cytogenetic location: 5q23.2.
Variant type: single nucleotide variant.
Coding change: c.1990C>A on transcript NM_001375405.1 (MANE Select); coding-DNA position 1990, C replaced by A.
Protein change: p.Gln664Lys; replaces glutamine 664 with lysine.
Molecular consequence: missense variant. On other transcripts: non-coding transcript variant (1).
Genome position (GRCh38, 1-based): chr5:123,382,760, G>T on the plus strand (C>A on the coding strand, the complement: CEP120 is on the minus strand). VCF-style: chr5-123382760-G-T. GRCh37 (hg19) VCF-style: chr5-122718454-G-T.
Other names: c.1990C>A (NM_153223.3); c.1912C>A, p.Gln638Lys (NM_001166226.2); c.1855C>A, p.Gln619Lys (NM_001375406.1); c.1990C>A, p.Gln664Lys (NM_001375407.1, NM_153223.4); c.1417C>A, p.Gln473Lys (NM_001375408.1, NM_001375409.1); short protein forms Q473K, Q638K, Q619K, Q664K.
Identifiers: ClinVar variation 1046117 (VCV001046117.8), dbSNP rs749655305, ClinGen allele CA3386796.

ClinVar aggregate classification (germline): Conflicting classifications of pathogenicity. Review status: criteria provided, conflicting classifications (1 of 4 stars). 3 submissions from 3 submitters: Uncertain significance (2); Likely benign (1). Last evaluated 2026-02-24.

Conditions:
Short-rib thoracic dysplasia 13 with or without polydactyly (SRTD13). Identifiers: Orphanet 474, MedGen C4225378, MONDO:0014577, OMIM 616300.
Inborn genetic diseases. Identifiers: MedGen C0950123, MeSH D030342.

Allele frequency attached by ClinVar (database versions not stated): ExAC 0.00011; TOPMed 0.00008; gnomAD 0.00001.
gnomAD v4.1: 26 of 1,612,040 alleles (0.0016%); highest among the groups gnomAD compares: Admixed American, 0.042%; no homozygotes.

Submissions (3):

GeneDx
Classification: Uncertain significance. Last evaluated: 2026-02-24. Review status: criteria provided, single submitter. Criteria: GeneDx Variant Classification Process June 2021. Collection method: clinical testing. Allele origin: germline.
Comment: In silico analysis supports that this missense variant has a deleterious effect on protein structure/function; Has not been previously published as pathogenic or benign to our knowledge

Ambry Genetics
Classification: Likely benign for Inborn genetic diseases. Last evaluated: 2025-01-24. Review status: criteria provided, single submitter. Criteria: Ambry Variant Classification Scheme 2023. Collection method: clinical testing. Allele origin: germline.

Labcorp Genetics (formerly Invitae), Labcorp
Classification: Uncertain significance for Short-rib thoracic dysplasia 13 with or without polydactyly. Last evaluated: 2022-01-12. Review status: criteria provided, single submitter. Criteria: Invitae Variant Classification Sherloc (09022015). Collection method: clinical testing. Allele origin: germline.
Comment: This sequence change replaces glutamine, which is neutral and polar, with lysine, which is basic and polar, at codon 664 of the CEP120 protein (p.Gln664Lys). This variant is present in population databases (rs749655305, gnomAD 0.07%). This variant has not been reported in the literature in individuals affected with CEP120-related conditions. ClinVar contains an entry for this variant (Variation ID: 1046117). Algorithms developed to predict the effect of missense changes on protein structure and function (SIFT, PolyPhen-2, Align-GVGD) all suggest that this variant is likely to be disruptive. In summary, the available evidence is currently insufficient to determine the role of this variant in disease. Therefore, it has been classified as a Variant of Uncertain Significance.